The following is an entry in ClinVar:

ClinVar aggregate classification (germline): Uncertain significance. Review status: criteria provided, multiple submitters, no conflicts (2 of 4 stars). 3 submissions from 3 submitters: Uncertain significance (3). Last evaluated 2024-10-20.

Conditions:
Inborn genetic diseases. Identifiers: MedGen C0950123, MeSH D030342.

Allele frequency attached by ClinVar (database versions not stated): gnomAD exomes below 0.00001 and 0.00001; ExAC 0.00001; gnomAD 0.00001; TOPMed 0.00003.
gnomAD v4.1: 4 of 1,613,750 alleles (0.00025%); highest among the groups gnomAD compares: Non-Finnish European, 0.00034%; no homozygotes.

Submissions (3):

Ambry Genetics
Classification: Uncertain significance for Inborn genetic diseases. Last evaluated: 2024-10-20. Review status: criteria provided, single submitter. Criteria: Ambry Variant Classification Scheme 2023. Collection method: clinical testing. Allele origin: germline.

Labcorp Genetics (formerly Invitae), Labcorp
Classification: Uncertain significance. Last evaluated: 2023-09-06. Review status: criteria provided, single submitter. Criteria: Invitae Variant Classification Sherloc (09022015). Collection method: clinical testing. Allele origin: germline.
Comment: This sequence change replaces glutamic acid, which is acidic and polar, with glycine, which is neutral and non-polar, at codon 134 of the GUCA1A protein (p.Glu134Gly). An algorithm developed to predict the effect of missense changes on protein structure and function (PolyPhen-2) suggests that this variant is likely to be disruptive. In summary, the available evidence is currently insufficient to determine the role of this variant in disease. Therefore, it has been classified as a Variant of Uncertain Significance. ClinVar contains an entry for this variant (Variation ID: 842207). This variant has not been reported in the literature in individuals affected with GUCA1A-related conditions. This variant is present in population databases (rs757801734, gnomAD 0.0009%).

Blueprint Genetics
Classification: Uncertain significance. Last evaluated: 2022-05-23. Review status: criteria provided, single submitter. Criteria: ACMG Guidelines, 2015. Collection method: clinical testing. Allele origin: germline.

NM_001384910.1(GUCA1A):c.401A>G (p.Glu134Gly)

Genes: GUCA1A (guanylate cyclase activator 1A; plus strand), GUCA1ANB-GUCA1A (GUCA1ANB-GUCA1A readthrough; plus strand). Cytogenetic location: 6p21.1.
Variant type: single nucleotide variant.
Coding change: c.401A>G on transcript NM_001384910.1 (MANE Select); coding-DNA position 401, A replaced by G.
Protein change: p.Glu134Gly; replaces glutamic acid 134 with glycine.
Molecular consequence: missense variant.
Genome position (GRCh38, 1-based): chr6:42,178,851, A>G. VCF-style: chr6-42178851-A-G. GRCh37 (hg19) VCF-style: chr6-42146589-A-G.
Other names: c.401A>G (NM_000409.3); c.401A>G, p.Glu134Gly (NM_000409.5, NM_001319061.2, NM_001319062.2); short protein forms E134G.
Identifiers: ClinVar variation 842207 (VCV000842207.10), dbSNP rs757801734, ClinGen allele CA3805396.